The following is an entry in ClinVar:

ClinVar aggregate classification (germline): Likely benign (0 of 4 stars; one submission).

Conditions:
MAP6D1-related disorder. Also called: MAP6D1-related condition.

gnomAD v4.1: 5 of 1,561,540 alleles (0.00032%); no homozygotes.

Submission:

PreventionGenetics, part of Exact Sciences
Classification: Likely benign for MAP6D1-related condition. Last evaluated: 2019-08-26. Review status: no assertion criteria provided. Collection method: clinical testing. Allele origin: germline.
Comment: This variant is classified as likely benign based on ACMG/AMP sequence variant interpretation guidelines (Richards et al. 2015 PMID: 25741868, with internal and published modifications).

NM_024871.4(MAP6D1):c.522C>T (p.Val174=)

Gene: MAP6D1 (MAP6 domain containing 1; minus strand). Cytogenetic location: 3q27.1.
Variant type: single nucleotide variant.
Coding change: c.522C>T on transcript NM_024871.4 (MANE Select); coding-DNA position 522, C replaced by T.
Protein change: p.Val174=; no amino-acid change (valine 174 retained).
Molecular consequence: synonymous variant.
Genome position (GRCh38, 1-based): chr3:183,817,434, G>A on the plus strand (C>T on the coding strand, the complement: MAP6D1 is on the minus strand). VCF-style: chr3-183817434-G-A. GRCh37 (hg19) VCF-style: chr3-183535222-G-A.
Identifiers: ClinVar variation 3052530 (VCV003052530.2), dbSNP rs1727141727, ClinGen allele CA437127350.